The following is an entry in ClinVar:

NM_001379081.2(FREM1):c.4312C>T (p.Arg1438Ter)

Gene: FREM1 (FRAS1 related extracellular matrix 1; minus strand). Cytogenetic location: 9p22.3.
Variant type: single nucleotide variant.
Coding change: c.4312C>T on transcript NM_001379081.2 (MANE Select); coding-DNA position 4312, C replaced by T.
Protein change: p.Arg1438Ter; replaces arginine 1438 with a stop codon.
Molecular consequence: nonsense. On other transcripts: non-coding transcript variant (1).
Genome position (GRCh38, 1-based): chr9:14,784,500, G>A on the plus strand (C>T on the coding strand, the complement: FREM1 is on the minus strand). VCF-style: chr9-14784500-G-A. GRCh37 (hg19) VCF-style: chr9-14784498-G-A.
Other names: c.4312C>T, p.Arg1438Ter (NM_144966.7); short protein forms R1438*.
Identifiers: ClinVar variation 1710689 (VCV001710689.3), dbSNP rs1563921179, ClinGen allele CA372966182.

ClinVar aggregate classification (germline): Pathogenic (1 of 4 stars; one submission).

Allele frequency attached by ClinVar (database versions not stated): TOPMed below 0.00001; gnomAD exomes 0.00001.
gnomAD v4.1: 16 of 1,613,866 alleles (0.00099%); highest among the groups gnomAD compares: Non-Finnish European, 0.0013%; no homozygotes.

Submission:

GeneDx
Classification: Pathogenic. Last evaluated: 2022-11-10. Review status: criteria provided, single submitter. Criteria: GeneDx Variant Classification Process June 2021. Collection method: clinical testing. Allele origin: germline. Affected: yes.
Comment: Nonsense variant predicted to result in protein truncation or nonsense mediated decay in a gene for which loss of function is a known mechanism of disease; Not observed at significant frequency in large population cohorts (gnomAD); Identified in the heterozygous state in two siblings with developmental delay and dysmorphic features who also harbored a homozygous variant in the DPH1 gene thought to explain the phenotype (Sekiguchi F et al., 2018); This variant is associated with the following publications: (PMID: 29410513)